The following is an entry in ClinVar:

ClinVar aggregate classification (germline): Likely benign (0 of 4 stars; one submission).

Conditions:
WDR48-related disorder. Also called: WDR48-related condition.

Allele frequency attached by ClinVar (database versions not stated): ESP Exome Variant Server 0.00015; 1000 Genomes Project 30x 0.00016; 1000 Genomes Project 0.00020; gnomAD 0.00023; TOPMed 0.00024; ExAC 0.00031; gnomAD exomes 0.00039.
gnomAD v4.1: 603 of 1,613,388 alleles (0.037%); highest among the groups gnomAD compares: Non-Finnish European, 0.047%; no homozygotes.

Submissions (2):

PreventionGenetics, part of Exact Sciences
Classification: Likely benign for WDR48-related condition. Last evaluated: 2022-12-29. Review status: no assertion criteria provided. Collection method: clinical testing. Allele origin: germline.
Comment: This variant is classified as likely benign based on ACMG/AMP sequence variant interpretation guidelines (Richards et al. 2015 PMID: 25741868, with internal and published modifications).

Dr. Peter K. Rogan Lab, Western University
No classification provided (evidence only). Condition: Gastric cancer. Review status: no classification provided. Collection method: in vitro. Allele origin: not applicable. Functional consequence: retained intron. Not counted in ClinVar's aggregate classification.

NM_020839.4(WDR48):c.1644A>G (p.Gln548=)

Gene: WDR48 (WD repeat domain 48; plus strand). Cytogenetic location: 3p22.2.
Variant type: single nucleotide variant.
Coding change: c.1644A>G on transcript NM_020839.4 (MANE Select); coding-DNA position 1644, A replaced by G.
Protein change: p.Gln548=; no amino-acid change (glutamine 548 retained).
Molecular consequence: synonymous variant. On other transcripts: non-coding transcript variant (3).
Genome position (GRCh38, 1-based): chr3:39,089,294, A>G. VCF-style: chr3-39089294-A-G. GRCh37 (hg19) VCF-style: chr3-39130785-A-G.
Other names: NC_000003.11:g.39130785A>G; c.1398A>G, p.Gln466= (NM_001303402.2); c.1617A>G, p.Gln539= (NM_001303403.2); c.1758A>G, p.Gln586= (NM_001346225.2); c.1473A>G, p.Gln491= (NM_001346226.2); c.1119A>G, p.Gln373= (NM_001346227.2); c.1434A>G, p.Gln478= (NM_001346228.2).
Identifiers: ClinVar variation 3055098 (VCV003055098.3), dbSNP rs142933874, ClinGen allele CA2323294.